The following is an entry in ClinVar:

ClinVar aggregate classification (germline): Uncertain significance (1 of 4 stars; one submission).

Conditions:
Atypical hemolytic-uremic syndrome. Identifiers: Orphanet 2134, MedGen C2931788, MONDO:0016244.

Submission:

Genomenon, Inc
Classification: Uncertain significance for Atypical hemolytic-uremic syndrome. Last evaluated: 2025-10-02. Review status: criteria provided, single submitter. Criteria: Genomenon Sequence Variant Interpretation Standards - Updated. Collection method: curation. Allele origin: germline. Affected: yes.
Comment: CFH p.Cys864Ser (c.2591G>C) is a missense variant that changes the amino acid at residue 864 from Cysteine to Serine. This variant has been observed in at least one proband affected with atypical hemolytic-uremic syndrome (PMID:20203157;31575699). It is absent or not present at a significant frequency in gnomAD. In silico models agree that this variant is possibly or probably damaging. In conclusion, we classify CFH p.Cys864Ser (c.2591G>C) as a variant of uncertain significance.

Literature cited by the submitters: PubMed 20203157; PubMed 31575699.

NM_000186.4(CFH):c.2591G>C (p.Cys864Ser)

Gene: CFH (complement factor H; plus strand). Cytogenetic location: 1q31.3.
Variant type: single nucleotide variant.
Coding change: c.2591G>C on transcript NM_000186.4 (MANE Select); coding-DNA position 2591, G replaced by C.
Protein change: p.Cys864Ser; replaces cysteine 864 with serine.
Molecular consequence: missense variant.
Genome position (GRCh38, 1-based): chr1:196,737,001, G>C. VCF-style: chr1-196737001-G-C. GRCh37 (hg19) VCF-style: chr1-196706131-G-C.
Other names: short protein forms C864S.
Identifiers: ClinVar variation 4291663 (VCV004291663.1).